The following is an entry in ClinVar:

ClinVar aggregate classification (germline): Uncertain significance (0 of 4 stars; one submission).

Conditions:
RBM12-related disorder. Also called: RBM12-related condition.

Submission:

PreventionGenetics, part of Exact Sciences
Classification: Uncertain significance for RBM12-related condition. Last evaluated: 2023-12-04. Review status: no assertion criteria provided. Collection method: clinical testing. Allele origin: germline.
Comment: The RBM12 c.563delC variant is predicted to result in a frameshift and premature protein termination (p.Pro188Hisfs*48). To our knowledge, this variant has not been reported in the literature or in a large population database, indicating this variant is rare. This variant resides in the final exon of this gene, and it is unclear if the resulting mRNA would undergo nonsense-mediated decay. There are also no loss of function variants located upstream of this variant. Although we suspect that this variant may be pathogenic, at this time, the clinical significance of this variant is uncertain due to the absence of conclusive functional and genetic evidence.

NM_006047.6(RBM12):c.563del (p.Pro188fs)

Genes: CPNE1 (copine 1; minus strand), RBM12 (RNA binding motif protein 12; minus strand). Cytogenetic location: 20q11.22.
Variant type: Deletion.
Coding change: c.563del on transcript NM_006047.6 (MANE Select); coding-DNA position 563, one base deleted (C; older notation c.563delC).
Protein change: p.Pro188fs; shifts the reading frame from proline 188.
Molecular consequence: frameshift variant. On other transcripts: intron variant (5).
Genome position (GRCh38, 1-based): chr20:35,654,760, G deleted on the plus strand (C on the coding strand, the reverse complement: RBM12 is on the minus strand); the first of 2 consecutive G bases (chr20:35,654,760-35,654,761); deleting either gives the same sequence. VCF-style (leftmost placement, unchanged base first): chr20-35654759-TG-T. GRCh37 (hg19) VCF-style: chr20-34242681-TG-T.
Other names: c.563del, p.Pro188fs (NM_001198838.2, NM_001198840.2, NM_152838.4); c.-1+10042del (NM_001198863.2, NM_152926.3); c.-1+10000del (NM_152925.3); c.-1+4170del (NM_152928.3, NM_152927.3); short protein forms P188fs.
Identifiers: ClinVar variation 2635342 (VCV002635342.3), dbSNP rs2515404446, ClinGen allele CA2695201398.